The following is an entry in ClinVar:

ClinVar aggregate classification (germline): Likely benign. Review status: criteria provided, multiple submitters, no conflicts (2 of 4 stars). 3 submissions from 3 submitters: Likely benign (2). 1 of the submissions does not count toward it. Last evaluated 2025-06-17.

Conditions:
Spermatogenic failure 18. Identifiers: MedGen C4539783, MONDO:0054615, OMIM 617576.
Ciliary dyskinesia, primary, 37 (CILD37). Also called: CILIARY DYSKINESIA, PRIMARY, 37, WITH OR WITHOUT SITUS INVERSUS. Identifiers: MedGen C4539798, MONDO:0033204, OMIM 617577.
DNAH1-related disorder. Also called: DNAH1-related condition.

Allele frequency attached by ClinVar (database versions not stated): gnomAD 0.00006; ExAC 0.00008; ESP Exome Variant Server 0.00008; TOPMed 0.00011; gnomAD exomes 0.00013.
gnomAD v4.1: 200 of 1,613,194 alleles (0.012%); highest among the groups gnomAD compares: Middle Eastern, 0.016%; no homozygotes.

Submissions (3):

Labcorp Genetics (formerly Invitae), Labcorp
Classification: Likely benign for Ciliary dyskinesia, primary, 37; Spermatogenic failure 18. Last evaluated: 2025-06-17. Review status: criteria provided, single submitter. Criteria: Invitae Variant Classification Sherloc (09022015). Collection method: clinical testing. Allele origin: germline.

Blueprint Genetics
Classification: Likely benign. Last evaluated: 2023-08-16. Review status: criteria provided, single submitter. Criteria: ACMG Guidelines, 2015. Collection method: clinical testing. Allele origin: germline.

PreventionGenetics, part of Exact Sciences
Classification: Likely benign for DNAH1-related condition. Last evaluated: 2019-06-13. Review status: no assertion criteria provided. Collection method: clinical testing. Allele origin: germline. Not counted in ClinVar's aggregate classification.
Comment: This variant is classified as likely benign based on ACMG/AMP sequence variant interpretation guidelines (Richards et al. 2015 PMID: 25741868, with internal and published modifications).

NM_015512.5(DNAH1):c.7144C>T (p.Leu2382=)

Gene: DNAH1 (dynein axonemal heavy chain 1; plus strand). Cytogenetic location: 3p21.1.
Variant type: single nucleotide variant.
Coding change: c.7144C>T on transcript NM_015512.5 (MANE Select); coding-DNA position 7144, C replaced by T.
Protein change: p.Leu2382=; no amino-acid change (leucine 2382 retained).
Molecular consequence: synonymous variant.
Genome position (GRCh38, 1-based): chr3:52,375,398, C>T. VCF-style: chr3-52375398-C-T. GRCh37 (hg19) VCF-style: chr3-52409414-C-T.
Other names: c.7144C>T (NM_015512.4).
Identifiers: ClinVar variation 2945794 (VCV002945794.6), dbSNP rs373250758, ClinGen allele CA2434764.